The following is an entry in ClinVar:

NM_000397.4(CYBB):c.1016C>A (p.Pro339His)

Gene: CYBB (cytochrome b-245 beta chain; plus strand). Cytogenetic location: Xp11.4.
Variant type: single nucleotide variant.
Coding change: c.1016C>A on transcript NM_000397.4 (MANE Select); coding-DNA position 1016, C replaced by A.
Protein change: p.Pro339His; replaces proline 339 with histidine.
Molecular consequence: missense variant.
Genome position (GRCh38, 1-based): chrX:37,803,995, C>A. VCF-style: chrX-37803995-C-A. GRCh37 (hg19) VCF-style: chrX-37663248-C-A.
Other names: short protein forms P339H.
Identifiers: ClinVar variation 68368 (VCV000068368.7), dbSNP rs151344470, ClinGen allele CA219666.

ClinVar aggregate classification (germline): Pathogenic. Review status: criteria provided, multiple submitters, no conflicts (2 of 4 stars). 4 submissions from 4 submitters: Pathogenic (3). 1 of the submissions does not count toward it. Last evaluated 2026-03-05.

Conditions:
CYBB-related disorders.
Granulomatous disease, chronic, X-linked. Also called: CYTOCHROME b-NEGATIVE GRANULOMATOUS DISEASE, CHRONIC, X-LINKED; GRANULOMATOUS DISEASE, CHRONIC, X-LINKED, SOMATIC MOSAIC. Identifiers: Orphanet 379, MedGen C1844376, MONDO:0010600, OMIM 306400.

Allele frequency attached by ClinVar (database versions not stated): gnomAD exomes below 0.00001.
gnomAD v4.1: 1 of 1,211,314 alleles (0.000083%); highest among the groups gnomAD compares: Non-Finnish European, 0.00011%; no homozygotes.

Submissions (4):

Women's Health and Genetics/Laboratory Corporation of America, LabCorp
Classification: Pathogenic for Granulomatous disease, chronic, X-linked. Last evaluated: 2026-03-05. Review status: criteria provided, single submitter. Criteria: LabCorp Variant Classification Summary - May 2015. Collection method: clinical testing. Allele origin: germline.
Comment: Variant summary: CYBB c.1016C>A (p.Pro339His) results in a non-conservative amino acid change in the encoded protein sequence. Algorithms developed to predict the effect of missense changes on protein structure and function all suggest that this variant is likely to be disruptive. The variant was absent in 183091 control chromosomes (gnomAD). c.1016C>A has been observed in multiple individuals affected with X-Linked Chronic Granulomatous Disease (Roos_1997, Okura_2015, Gao_2019). These data indicate that the variant is very likely to be associated with disease. At least one publication reports experimental evidence evaluating an impact on protein function and this variant affected CYBB protein function (Beaumel_2014). The following publications have been ascertained in the context of this evaluation (PMID: 25252997, 30716179, 25666294, 8634410). ClinVar contains an entry for this variant (Variation ID: 68368). Based on the evidence outlined above, the variant was classified as pathogenic.

Labcorp Genetics (formerly Invitae), Labcorp
Classification: Pathogenic for Granulomatous disease, chronic, X-linked. Last evaluated: 2024-02-24. Review status: criteria provided, single submitter. Criteria: Invitae Variant Classification Sherloc (09022015). Collection method: clinical testing. Allele origin: germline.
Comment: This sequence change replaces proline, which is neutral and non-polar, with histidine, which is basic and polar, at codon 339 of the CYBB protein (p.Pro339His). This variant is not present in population databases (gnomAD no frequency). This missense change has been observed in individuals with chronic granulomatous disease (PMID: 9585602, 10089913, 10914676, 18708296, 25666294, 29560547). This variant is also known as 1028C>A. ClinVar contains an entry for this variant (Variation ID: 68368). Advanced modeling of protein sequence and biophysical properties (such as structural, functional, and spatial information, amino acid conservation, physicochemical variation, residue mobility, and thermodynamic stability) performed at Invitae indicates that this missense variant is expected to disrupt CYBB protein function with a positive predictive value of 80%. Experimental studies have shown that this missense change affects CYBB function (PMID: 25252997, 25666294). For these reasons, this variant has been classified as Pathogenic.

Blueprint Genetics
Classification: Pathogenic for CYBB-related disorders. Last evaluated: 2018-06-14. Review status: criteria provided, single submitter. Criteria: ACMG Guidelines, 2015. Collection method: clinical testing. Allele origin: germline. Affected: yes. Observed: 1 variant allele.

UniProtKB/Swiss-Prot
No classification provided. Review status: no classification provided. Collection method: not provided. Allele origin: not provided. Not counted in ClinVar's aggregate classification.

Literature cited by the submitters: PubMed 8634410 (cited by Women's Health and Genetics/Laboratory Corporation of America, LabCorp); PubMed 25252997 (cited by Women's Health and Genetics/Laboratory Corporation of America, LabCorp and Labcorp Genetics (formerly Invitae), Labcorp); PubMed 30716179 (cited by Women's Health and Genetics/Laboratory Corporation of America, LabCorp); PubMed 25666294 (cited by Women's Health and Genetics/Laboratory Corporation of America, LabCorp and Labcorp Genetics (formerly Invitae), Labcorp); PubMed 9585602 (cited by Labcorp Genetics (formerly Invitae), Labcorp); PubMed 10089913 (cited by Labcorp Genetics (formerly Invitae), Labcorp); PubMed 10914676 (cited by Labcorp Genetics (formerly Invitae), Labcorp); PubMed 18708296 (cited by Labcorp Genetics (formerly Invitae), Labcorp); PubMed 29560547 (cited by Labcorp Genetics (formerly Invitae), Labcorp).